The following is an entry in ClinVar:

ClinVar aggregate classification (germline): Uncertain significance (1 of 4 stars; one submission).

Conditions:
Hereditary cancer-predisposing syndrome. Also called: Neoplastic Syndromes, Hereditary; Tumor predisposition; Hereditary Cancer Syndrome; Hereditary neoplastic syndrome. Identifiers: Orphanet 140162, MedGen C0027672, MeSH D009386, MONDO:0015356.

Submission:

Ambry Genetics
Classification: Uncertain significance for Hereditary cancer-predisposing syndrome. Last evaluated: 2025-07-07. Review status: criteria provided, single submitter. Criteria: Ambry Variant Classification Scheme 2023. Collection method: clinical testing. Allele origin: germline.
Comment: The p.E623G variant (also known as c.1868A>G), located in coding exon 11 of the SMARCA4 gene, results from an A to G substitution at nucleotide position 1868. The glutamic acid at codon 623 is replaced by glycine, an amino acid with similar properties. This amino acid position is conserved. In addition, this alteration is predicted to be tolerated by in silico analysis. Based on the available evidence, the clinical significance of this variant remains unclear.

NM_003072.5(SMARCA4):c.1868A>G (p.Glu623Gly)

Gene: SMARCA4 (SWI/SNF related BAF chromatin remodeling complex subunit ATPase 4; plus strand). Cytogenetic location: 19p13.2.
Variant type: single nucleotide variant.
Coding change: c.1868A>G on transcript NM_003072.5 (MANE Select); coding-DNA position 1868, A replaced by G.
Protein change: p.Glu623Gly; replaces glutamic acid 623 with glycine.
Molecular consequence: missense variant. On other transcripts: non-coding transcript variant (1).
Genome position (GRCh38, 1-based): chr19:11,003,084, A>G. VCF-style: chr19-11003084-A-G. GRCh37 (hg19) VCF-style: chr19-11113760-A-G.
Other names: c.1868A>G, p.Glu623Gly (NM_001128844.3, NM_001128845.2, NM_001128846.2 and 6 more transcripts); short protein forms E623G.
Identifiers: ClinVar variation 4170149 (VCV004170149.1).